The following is an entry in ClinVar:

NM_001447.3(FAT2):c.8184G>C (p.Arg2728=)

Genes: FAT2 (FAT atypical cadherin 2; minus strand), SLC36A1 (solute carrier family 36 member 1; plus strand). Cytogenetic location: 5q33.1.
Variant type: single nucleotide variant.
Coding change: c.8184G>C on transcript NM_001447.3 (MANE Select); coding-DNA position 8184, G replaced by C.
Protein change: p.Arg2728=; no amino-acid change (arginine 2728 retained).
Molecular consequence: synonymous variant.
Genome position (GRCh38, 1-based): chr5:151,542,943, C>G on the plus strand (G>C on the coding strand, the complement: FAT2 is on the minus strand). VCF-style: chr5-151542943-C-G. GRCh37 (hg19) VCF-style: chr5-150922504-C-G.
Identifiers: ClinVar variation 3234514 (VCV003234514.20), dbSNP rs2127606469, ClinGen allele CA447415937.
Genomic context (GRCh38, chr5:151,542,943, plus strand): 5'-GACCCCTGTGTCTGGGTCTAGGGAGAAGACACCATCCTTGTTGCTCTCAGGTGTAGTGCC[C>G]CGCACTAGACTGTAGATGACTGGATCTTGAGCTGCCACTGCTTTAACAATCCCAATTTCA-3'
Protein context (NP_001438.1, residues 2718-2738): AQDPVIYSLV[Arg2728=]GTTPESNKDG

ClinVar aggregate classification (germline): Likely benign (1 of 4 stars; one submission).

Submission:

CeGaT Center for Human Genetics Tuebingen
Classification: Likely benign. Last evaluated: 2024-03-01. Review status: criteria provided, single submitter. Criteria: CeGaT Center For Human Genetics Tuebingen Variant Classification Criteria Version 2. Collection method: clinical testing. Allele origin: germline. Affected: yes. Observed: 1 variant allele.
Comment: FAT2: PM2:Supporting, BP4, BP7